The following is an entry in ClinVar:

ClinVar aggregate classification (germline): Uncertain significance (1 of 4 stars; one submission).

Submission:

Labcorp Genetics (formerly Invitae), Labcorp
Classification: Uncertain significance. Last evaluated: 2024-10-22. Review status: criteria provided, single submitter. Criteria: Invitae Variant Classification Sherloc (09022015). Collection method: clinical testing. Allele origin: germline.
Comment: This sequence change replaces arginine, which is basic and polar, with lysine, which is basic and polar, at codon 2222 of the ASPM protein (p.Arg2222Lys). This variant is not present in population databases (gnomAD no frequency). This variant has not been reported in the literature in individuals affected with ASPM-related conditions. ClinVar contains an entry for this variant (Variation ID: 1445537). Invitae Evidence Modeling of protein sequence and biophysical properties (such as structural, functional, and spatial information, amino acid conservation, physicochemical variation, residue mobility, and thermodynamic stability) indicates that this missense variant is not expected to disrupt ASPM protein function with a negative predictive value of 80%. In summary, the available evidence is currently insufficient to determine the role of this variant in disease. Therefore, it has been classified as a Variant of Uncertain Significance.

NM_018136.5(ASPM):c.6665G>A (p.Arg2222Lys)

Gene: ASPM (assembly factor for spindle microtubules; minus strand). Cytogenetic location: 1q31.3.
Variant type: single nucleotide variant.
Coding change: c.6665G>A on transcript NM_018136.5 (MANE Select); coding-DNA position 6665, G replaced by A.
Protein change: p.Arg2222Lys; replaces arginine 2222 with lysine.
Molecular consequence: missense variant. On other transcripts: intron variant (1).
Genome position (GRCh38, 1-based): chr1:197,102,586, C>T on the plus strand (G>A on the coding strand, the complement: ASPM is on the minus strand). VCF-style: chr1-197102586-C-T. GRCh37 (hg19) VCF-style: chr1-197071716-C-T.
Other names: c.4066-6422G>A (NM_001206846.2); short protein forms R2222K.
Identifiers: ClinVar variation 1445537 (VCV001445537.6), dbSNP rs2125094967, ClinGen allele CA344021797.